The following is an entry in ClinVar:

NM_000271.5(NPC1):c.3547C>T (p.Arg1183Cys)

Gene: NPC1 (NPC intracellular cholesterol transporter 1; minus strand). Cytogenetic location: 18q11.2.
Variant type: single nucleotide variant.
Coding change: c.3547C>T on transcript NM_000271.5 (MANE Select); coding-DNA position 3547, C replaced by T.
Protein change: p.Arg1183Cys; replaces arginine 1183 with cysteine.
Molecular consequence: missense variant.
Genome position (GRCh38, 1-based): chr18:23,534,490, G>A on the plus strand (C>T on the coding strand, the complement: NPC1 is on the minus strand). VCF-style: chr18-23534490-G-A. GRCh37 (hg19) VCF-style: chr18-21114454-G-A.
Other names: short protein forms R1183C.
Identifiers: ClinVar variation 1401499 (VCV001401499.5), dbSNP rs755029556, ClinGen allele CA8912740.
Genomic context (GRCh38, chr18:23,534,490, plus strand): 5'-TGCTCAGGGTACTCACGGAGCTGCCCATGTGGGCAAGTGCCTCTTCCGCGCGCTCCACGC[G>A]GCTGCCTTTCATGCTCACCGTGAACGCTCTGGTTATGTGGCTGCAGAACTCCACGGAGAT-3'
Protein context (NP_000262.2, residues 1173-1193): RAFTVSMKGS[Arg1183Cys]VERAEEALAH

ClinVar aggregate classification (germline): Uncertain significance (1 of 4 stars; one submission).

Conditions:
Niemann-Pick disease, type C1. Also called: NIEMANN-PICK DISEASE, VARIANT TYPE C1; NEUROVISCERAL STORAGE DISEASE WITH VERTICAL SUPRANUCLEAR OPHTHALMOPLEGIA; NIEMANN-PICK DISEASE WITH CHOLESTEROL ESTERIFICATION BLOCK; NIEMANN-PICK DISEASE WITHOUT SPHINGOMYELINASE DEFICIENCY; NIEMANN-PICK DISEASE, CHRONIC NEURONOPATHIC FORM. Identifiers: Orphanet 646, MedGen C3179455, MONDO:0009757, OMIM 257220.

Allele frequency attached by ClinVar (database versions not stated): TOPMed 0.00001; gnomAD 0.00002; gnomAD exomes 0.00002.
gnomAD v4.1: 39 of 1,613,912 alleles (0.0024%); highest among the groups gnomAD compares: South Asian, 0.0033%; no homozygotes.

Submission:

Labcorp Genetics (formerly Invitae), Labcorp
Classification: Uncertain significance for Niemann-Pick disease, type C1. Last evaluated: 2022-05-29. Review status: criteria provided, single submitter. Criteria: Invitae Variant Classification Sherloc (09022015). Collection method: clinical testing. Allele origin: germline.
Comment: This sequence change replaces arginine, which is basic and polar, with cysteine, which is neutral and slightly polar, at codon 1183 of the NPC1 protein (p.Arg1183Cys). This variant is present in population databases (rs755029556, gnomAD 0.005%). This variant has not been reported in the literature in individuals affected with NPC1-related conditions. ClinVar contains an entry for this variant (Variation ID: 1401499). Advanced modeling of protein sequence and biophysical properties (such as structural, functional, and spatial information, amino acid conservation, physicochemical variation, residue mobility, and thermodynamic stability) performed at Invitae indicates that this missense variant is expected to disrupt NPC1 protein function. In summary, the available evidence is currently insufficient to determine the role of this variant in disease. Therefore, it has been classified as a Variant of Uncertain Significance.